The following is an entry in ClinVar:

NM_000426.4(LAMA2):c.8178_8185del (p.Glu2726fs)

Gene: LAMA2 (laminin subunit alpha 2; plus strand). Cytogenetic location: 6q22.33.
Variant type: Deletion.
Coding change: c.8178_8185del on transcript NM_000426.4 (MANE Select); coding-DNA positions 8178 to 8185, 8 bases deleted (AATAGTTA; older notation c.8178_8185delAATAGTTA).
Protein change: p.Glu2726fs; shifts the reading frame from glutamic acid 2726.
Molecular consequence: frameshift variant.
Genome position (GRCh38, 1-based): chr6:129,492,417-129,492,424, AATAGTTA deleted; deleting any 8 consecutive bases within chr6:129,492,416-129,492,424 gives the same sequence; the c. name uses the placement nearest the transcript's 3' end. VCF-style (leftmost placement, unchanged base first): chr6-129492415-GAAATAGTT-G. GRCh37 (hg19) VCF-style: chr6-129813560-GAAATAGTT-G.
Other names: c.8166_8173del, p.Glu2722fs (NM_001079823.2); short protein forms E2722fs, E2726fs.
Identifiers: ClinVar variation 1397978 (VCV001397978.6), dbSNP rs2114860862, ClinGen allele CA2573140510.
Genomic context (GRCh38, chr6:129,492,415, plus strand): 5'-GACATTGGTCGCTGTGCCCATCAGAAACTCCGTGAAGATGAAGATGGAGCAGCTCCAGCT[GAAATAGTT>G]ATCCAGCCTGAGCCAGTTCCCACCCCAGCCTTTCCTACGCCCACCCCAGTTCTGACACAT-3'

ClinVar aggregate classification (germline): Pathogenic (1 of 4 stars; one submission).

Conditions:
LAMA2-related muscular dystrophy (LAMA2-RD). Also called: Laminin alpha 2-related dystrophy. Identifiers: MedGen C5679788, MONDO:0100228.

Submission:

Labcorp Genetics (formerly Invitae), Labcorp
Classification: Pathogenic for LAMA2-related muscular dystrophy. Last evaluated: 2021-09-21. Review status: criteria provided, single submitter. Criteria: Invitae Variant Classification Sherloc (09022015). Collection method: clinical testing. Allele origin: germline.
Comment: For these reasons, this variant has been classified as Pathogenic. This variant has not been reported in the literature in individuals affected with LAMA2-related conditions. This variant is not present in population databases (ExAC no frequency). This sequence change creates a premature translational stop signal (p.Glu2726Aspfs*4) in the LAMA2 gene. It is expected to result in an absent or disrupted protein product. Loss-of-function variants in LAMA2 are known to be pathogenic (PMID: 18700894, 32904964).

Literature cited by the submitters: PubMed 18700894; PubMed 32904964.